The following is an entry in ClinVar:

NM_144670.6(A2ML1):c.3933+14C>T

Gene: A2ML1 (alpha-2-macroglobulin like 1; plus strand). Cytogenetic location: 12p13.31.
Variant type: single nucleotide variant.
Coding change: c.3933+14C>T on transcript NM_144670.6 (MANE Select); 14 bases into the intron after coding-DNA position 3933, C replaced by T.
Molecular consequence: intron variant.
Genome position (GRCh38, 1-based): chr12:8,868,071, C>T. VCF-style: chr12-8868071-C-T. GRCh37 (hg19) VCF-style: chr12-9020667-C-T.
Other names: c.2460+14C>T (NM_001282424.3).
Identifiers: ClinVar variation 933194 (VCV000933194.10), dbSNP rs200874703, ClinGen allele CA6436517.

ClinVar aggregate classification (germline): Benign/Likely benign. Review status: criteria provided, multiple submitters, no conflicts (2 of 4 stars). 3 submissions from 3 submitters: Benign (1); Likely benign (2). Last evaluated 2025-08-29.

Allele frequency attached by ClinVar (database versions not stated): gnomAD 0.00001 and 0.00003; gnomAD exomes 0.00004 and 0.00010; ExAC 0.00009; TOPMed 0.00009; 1000 Genomes Project 0.00020; 1000 Genomes Project 30x 0.00031.
gnomAD v4.1: 55 of 1,612,512 alleles (0.0034%); highest among the groups gnomAD compares: East Asian, 0.12%; 1 homozygote.

Submissions (3):

Labcorp Genetics (formerly Invitae), Labcorp
Classification: Likely benign. Last evaluated: 2025-08-29. Review status: criteria provided, single submitter. Criteria: Invitae Variant Classification Sherloc (09022015). Collection method: clinical testing. Allele origin: germline.

Blueprint Genetics
Classification: Likely benign. Last evaluated: 2022-09-09. Review status: criteria provided, single submitter. Criteria: ACMG Guidelines, 2015. Collection method: clinical testing. Allele origin: germline.

Women's Health and Genetics/Laboratory Corporation of America, LabCorp
Classification: Benign. Last evaluated: 2020-06-15. Review status: criteria provided, single submitter. Criteria: LabCorp Variant Classification Summary - May 2015. Collection method: clinical testing. Allele origin: germline.
Comment: Variant summary: A2ML1 c.3933+14C>T alters a nucleotide located close to a canonical splice site and therefore could affect mRNA splicing, leading to a significantly altered protein sequence. The variant allele was found at a frequency of 0.0001 in 249028 control chromosomes, predominantly at a frequency of 0.0014 within the East Asian subpopulation in the gnomAD database, including 1 homozygote. The observed variant frequency within East Asian control individuals in the gnomAD database is approximately 350 fold of the estimated maximal expected allele frequency for a pathogenic variant in A2ML1 causing Noonan Syndrome And Related Conditions phenotype (4e-06), strongly suggesting that the variant is a benign polymorphism found primarily in populations of East Asian origin. To our knowledge, no occurrence of c.3933+14C>T in individuals affected with Noonan Syndrome And Related Conditions and no experimental evidence demonstrating its impact on protein function have been reported. No clinical diagnostic laboratories have submitted clinical-significance assessments for this variant to ClinVar after 2014. Based on the evidence outlined above, the variant was classified as benign.